The following is an entry in ClinVar:

ClinVar aggregate classification (germline): Likely benign (1 of 4 stars; one submission).

Allele frequency attached by ClinVar (database versions not stated): TOPMed below 0.00001; gnomAD 0.00001; gnomAD exomes 0.00001; ESP Exome Variant Server 0.00009; 1000 Genomes Project 0.00020; 1000 Genomes Project 30x 0.00031.
gnomAD v4.1: 10 of 1,443,732 alleles (0.00069%); highest among the groups gnomAD compares: South Asian, 0.012%; no homozygotes.

Submission:

GeneDx
Classification: Likely benign. Last evaluated: 2018-02-27. Review status: criteria provided, single submitter. Criteria: GeneDx Variant Classification (06012015). Collection method: clinical testing. Allele origin: germline. Affected: yes.
Comment: This variant is considered likely benign or benign based on one or more of the following criteria: it is a conservative change, it occurs at a poorly conserved position in the protein, it is predicted to be benign by multiple in silico algorithms, and/or has population frequency not consistent with disease.

NM_001134831.2(AHI1):c.749+19A>G

Gene: AHI1 (Abelson helper integration site 1; minus strand). Cytogenetic location: 6q23.3.
Variant type: single nucleotide variant.
Coding change: c.749+19A>G on transcript NM_001134831.2 (MANE Select); 19 bases into the intron after coding-DNA position 749, A replaced by G.
Molecular consequence: intron variant.
Genome position (GRCh38, 1-based): chr6:135,465,795, T>C on the plus strand (A>G on the coding strand, the complement: AHI1 is on the minus strand). VCF-style: chr6-135465795-T-C. GRCh37 (hg19) VCF-style: chr6-135786933-T-C.
Other names: c.749+19A>G (NM_001134830.2, NM_001350503.2, NM_017651.5 and 2 more transcripts).
Identifiers: ClinVar variation 515721 (VCV000515721.1), dbSNP rs73777548, ClinGen allele CA148148820.